The following is an entry in ClinVar:

NM_000551.4(VHL):c.-45C>T

Gene: VHL (von Hippel-Lindau tumor suppressor; plus strand). Cytogenetic location: 3p25.3.
Variant type: single nucleotide variant.
Coding change: c.-45C>T on transcript NM_000551.4 (MANE Select); 45 bases upstream of the start codon, C replaced by T.
Molecular consequence: 5 prime UTR variant. On other transcripts: non-coding transcript variant (1).
Genome position (GRCh38, 1-based): chr3:10,141,803, C>T. VCF-style: chr3-10141803-C-T. GRCh37 (hg19) VCF-style: chr3-10183487-C-T.
Other names: c.-45C>T (NM_001354723.2, NM_198156.3).
Identifiers: ClinVar variation 2930348 (VCV002930348.3), dbSNP rs372483939, ClinGen allele CA70042007.

ClinVar aggregate classification (germline): Uncertain significance (1 of 4 stars; one submission).

Conditions:
Chuvash polycythemia. Also called: POLYCYTHEMIA, VHL-DEPENDENT. Identifiers: Orphanet 238557, MedGen C1837915, MONDO:0009892, OMIM 263400.
Von Hippel-Lindau syndrome (VHLS). Also called: von Hippel–Lindau syndrome; VHL syndrome; Von Hippel-Lindau. Identifiers: Orphanet 892, MedGen C0019562, MONDO:0008667, OMIM 193300. Disease mechanism: loss of function.

Allele frequency attached by ClinVar (database versions not stated): ESP Exome Variant Server 0.00012.
gnomAD v4.1: 66 of 1,535,064 alleles (0.0043%); highest among the groups gnomAD compares: Non-Finnish European, 0.0056%; no homozygotes.

Submission:

Labcorp Genetics (formerly Invitae), Labcorp
Classification: Uncertain significance for Von Hippel-Lindau syndrome; Chuvash polycythemia. Last evaluated: 2026-01-25. Review status: criteria provided, single submitter. Criteria: Invitae Variant Classification Sherloc (09022015). Collection method: clinical testing. Allele origin: germline.
Comment: This variant occurs in a non-coding region of the VHL gene. It does not change the encoded amino acid sequence of the VHL protein. The frequency data for this variant in the population databases is considered unreliable, as metrics indicate poor data quality at this position in the gnomAD database. This variant has not been reported in the literature in individuals affected with VHL-related conditions. ClinVar contains an entry for this variant (Variation ID: 2930348). In summary, the available evidence is currently insufficient to determine the role of this variant in disease. Therefore, it has been classified as a Variant of Uncertain Significance.